The following is an entry in ClinVar:

NM_016222.4(DDX41):c.253G>A (p.Val85Ile)

Gene: DDX41 (DEAD-box helicase 41; minus strand). Cytogenetic location: 5q35.3.
Variant type: single nucleotide variant.
Coding change: c.253G>A on transcript NM_016222.4 (MANE Select); coding-DNA position 253, G replaced by A.
Protein change: p.Val85Ile; replaces valine 85 with isoleucine.
Molecular consequence: missense variant. On other transcripts: 5 prime UTR variant (2).
Genome position (GRCh38, 1-based): chr5:177,516,333, C>T on the plus strand (G>A on the coding strand, the complement: DDX41 is on the minus strand). VCF-style: chr5-177516333-C-T. GRCh37 (hg19) VCF-style: chr5-176943334-C-T.
Other names: c.-126G>A (NM_001321732.2, NM_001321830.2); short protein forms V85I.
Identifiers: ClinVar variation 4617143 (VCV004617143.1).

ClinVar aggregate classification (germline): Uncertain significance (1 of 4 stars; one submission).

Conditions:
Inborn genetic diseases. Identifiers: MedGen C0950123, MeSH D030342.

Submission:

Ambry Genetics
Classification: Uncertain significance for Inborn genetic diseases. Last evaluated: 2025-10-07. Review status: criteria provided, single submitter. Criteria: Ambry Variant Classification Scheme 2023. Collection method: clinical testing. Allele origin: germline.
Comment: The p.V85I variant (also known as c.253G>A), located in coding exon 3 of the DDX41 gene, results from a G to A substitution at nucleotide position 253. The valine at codon 85 is replaced by isoleucine, an amino acid with highly similar properties. This amino acid position is conserved. In addition, this alteration is predicted to be tolerated by in silico analysis. Based on the available evidence, the clinical significance of this variant remains unclear.